The following is an entry in ClinVar:

ClinVar aggregate classification (germline): Uncertain significance. Review status: criteria provided, multiple submitters, no conflicts (2 of 4 stars). 2 submissions from 2 submitters: Uncertain significance (2). Last evaluated 2025-05-19.

Allele frequency attached by ClinVar (database versions not stated): gnomAD exomes 0.00001; TOPMed 0.00001; ExAC 0.00002.
gnomAD v4.1: 16 of 1,612,922 alleles (0.00099%); highest among the groups gnomAD compares: Non-Finnish European, 0.0012%; no homozygotes.

Submissions (2):

Labcorp Genetics (formerly Invitae), Labcorp
Classification: Uncertain significance. Last evaluated: 2025-05-19. Review status: criteria provided, single submitter. Criteria: Invitae Variant Classification Sherloc (09022015). Collection method: clinical testing. Allele origin: germline.
Comment: This sequence change replaces glutamic acid, which is acidic and polar, with glycine, which is neutral and non-polar, at codon 4424 of the HMCN1 protein (p.Glu4424Gly). This variant is present in population databases (rs762705339, gnomAD 0.004%). This variant has not been reported in the literature in individuals affected with HMCN1-related conditions. ClinVar contains an entry for this variant (Variation ID: 1982212). An algorithm developed to predict the effect of missense changes on protein structure and function (PolyPhen-2) suggests that this variant is likely to be tolerated. In summary, the available evidence is currently insufficient to determine the role of this variant in disease. Therefore, it has been classified as a Variant of Uncertain Significance.

Ambry Genetics
Classification: Uncertain significance. Last evaluated: 2025-05-09. Review status: criteria provided, single submitter. Criteria: Ambry Variant Classification Scheme 2023. Collection method: clinical testing. Allele origin: germline.

NM_031935.3(HMCN1):c.13271A>G (p.Glu4424Gly)

Gene: HMCN1 (hemicentin 1; plus strand). Cytogenetic location: 1q31.1.
Variant type: single nucleotide variant.
Coding change: c.13271A>G on transcript NM_031935.3 (MANE Select); coding-DNA position 13271, A replaced by G.
Protein change: p.Glu4424Gly; replaces glutamic acid 4424 with glycine.
Molecular consequence: missense variant.
Genome position (GRCh38, 1-based): chr1:186,132,368, A>G. VCF-style: chr1-186132368-A-G. GRCh37 (hg19) VCF-style: chr1-186101500-A-G.
Other names: c.13271A>G (NM_031935.2); short protein forms E4424G.
Identifiers: ClinVar variation 1982212 (VCV001982212.5), dbSNP rs762705339, ClinGen allele CA1294613.